The following is an entry in ClinVar:

NM_003482.4(KMT2D):c.9319T>C (p.Ser3107Pro)

Gene: KMT2D (lysine methyltransferase 2D; minus strand). Cytogenetic location: 12q13.12.
Variant type: single nucleotide variant.
Coding change: c.9319T>C on transcript NM_003482.4 (MANE Select); coding-DNA position 9319, T replaced by C.
Protein change: p.Ser3107Pro; replaces serine 3107 with proline.
Molecular consequence: missense variant.
Genome position (GRCh38, 1-based): chr12:49,038,037, A>G on the plus strand (T>C on the coding strand, the complement: KMT2D is on the minus strand). VCF-style: chr12-49038037-A-G. GRCh37 (hg19) VCF-style: chr12-49431820-A-G.
Other names: short protein forms S3107P.
Identifiers: ClinVar variation 2633078 (VCV002633078.1), dbSNP rs2120489543, ClinGen allele CA384738793.

ClinVar aggregate classification (germline): Uncertain significance (1 of 4 stars; one submission).

Conditions:
KMT2D-related disorder. Also called: KMT2D-Related Disorders.

Submission:

PreventionGenetics, part of Exact Sciences
Classification: Uncertain significance for KMT2D-related condition. Last evaluated: 2023-05-10. Review status: criteria provided, single submitter. Criteria: ACMG Guidelines, 2015. Collection method: clinical testing. Allele origin: germline.
Comment: The KMT2D c.9319T>C variant is predicted to result in the amino acid substitution p.Ser3107Pro. To our knowledge, this variant has not been reported in the literature or in a large population database, indicating this variant is rare. At this time, the clinical significance of this variant is uncertain due to the absence of conclusive functional and genetic evidence.